The following is an entry in ClinVar:

GRCh37/hg19 22q11.1-11.21(chr22:17072086-20130474)

Genes: ADA2 (adenosine deaminase 2; minus strand), ARVCF (ARVCF delta catenin family member; minus strand), ATP6V1E1 (ATPase H+ transporting V1 subunit E1; minus strand), BCL2L13 (BCL2 like 13; plus strand), BID (BH3 interacting domain death agonist; minus strand) and 39 more. Cytogenetic location: 22q11.1-11.21.
Variant type: copy number gain.
Identifiers: ClinVar variation 625806 (VCV000625806.1).

ClinVar aggregate classification (germline): Pathogenic (1 of 4 stars; one submission).

Submission:

Baylor Genetics
Classification: Pathogenic. Last evaluated: 2018-11-01. Review status: criteria provided, single submitter. Criteria: ACMG CNV Guidelines, 2011. Collection method: clinical testing. Allele origin: germline. Observed: 1 variant allele.